The following is an entry in ClinVar:

NM_032043.3(BRIP1):c.413T>C (p.Leu138Ser)

Gene: BRIP1 (BRCA1 interacting DNA helicase 1; minus strand). Cytogenetic location: 17q23.2.
Variant type: single nucleotide variant.
Coding change: c.413T>C on transcript NM_032043.3 (MANE Select); coding-DNA position 413, T replaced by C.
Protein change: p.Leu138Ser; replaces leucine 138 with serine.
Molecular consequence: missense variant.
Genome position (GRCh38, 1-based): chr17:61,849,223, A>G on the plus strand (T>C on the coding strand, the complement: BRIP1 is on the minus strand). VCF-style: chr17-61849223-A-G. GRCh37 (hg19) VCF-style: chr17-59926584-A-G.
Other names: p.L138S:TTA>TCA; short protein forms L138S.
Identifiers: ClinVar variation 128191 (VCV000128191.44), dbSNP rs587780251, ClinGen allele CA288603.
Genomic context (GRCh38, chr17:61,849,223, plus strand): 5'-TTCTCTACTTGAAAATCATCATTTTCATCTCTGTATATGGATGCCTGTTTCTTAGCAGAT[A>G]ACTTTGCAGCCAGAGTGGTTTTTTCAGGGGAGTCTTATATAAGTAATTTAAAAAAAACAG-3'
Protein context (NP_114432.2, residues 128-148): SPEKTTLAAK[Leu138Ser]SAKKQASIYR

ClinVar aggregate classification (germline): Uncertain significance. Review status: criteria provided, multiple submitters, no conflicts (2 of 4 stars). 14 submissions from 14 submitters: Uncertain significance (13). 1 of the submissions does not count toward it. Last evaluated 2026-01-13.

Conditions:
Breast and/or ovarian cancer. Identifiers: MedGen CN221562.
Fanconi anemia complementation group J. Also called: BRIP1-Related Fanconi Anemia. Identifiers: Orphanet 84, MedGen C1836860, MONDO:0012187, OMIM 609054.
Ovarian cancer. Also called: OVARIAN CANCER, SOMATIC. Identifiers: Orphanet 213500, MedGen C1140680, MONDO:0008170, OMIM 167000.
Familial ovarian cancer. Identifiers: MedGen C5679802, MONDO:0016248.
Familial cancer of breast. Also called: BREAST CANCER, FAMILIAL; Hereditary breast cancer; hereditary breast carcinoma. Identifiers: Orphanet 227535, MedGen C0346153, MONDO:0016419, OMIM 114480. Disease mechanism: loss of function.
Hereditary cancer-predisposing syndrome. Also called: Tumor predisposition; Hereditary Cancer Syndrome; Neoplastic Syndromes, Hereditary; Hereditary neoplastic syndrome. Identifiers: Orphanet 140162, MedGen C0027672, MeSH D009386, MONDO:0015356.

Allele frequency attached by ClinVar (database versions not stated): ExAC 0.00002; gnomAD exomes 0.00002 and 0.00006; TOPMed 0.00004; gnomAD 0.00006.
gnomAD v4.1: 102 of 1,613,066 alleles (0.0063%); highest among the groups gnomAD compares: African/African-American, 0.008%; no homozygotes.

Submissions (14):

Labcorp Genetics (formerly Invitae), Labcorp
Classification: Uncertain significance for Familial cancer of breast; Fanconi anemia complementation group J. Last evaluated: 2026-01-13. Review status: criteria provided, single submitter. Criteria: Invitae Variant Classification Sherloc (09022015). Collection method: clinical testing. Allele origin: germline.
Comment: This sequence change replaces leucine, which is neutral and non-polar, with serine, which is neutral and polar, at codon 138 of the BRIP1 protein (p.Leu138Ser). This variant is present in population databases (rs587780251, gnomAD 0.004%). This missense change has been observed in individual(s) with breast cancer, leukemia, suspected Lynch syndrome, sarcoma, and ovarian cancer (PMID: 25980754, 26580448, 26921362, 27498913, 31822495, 34326862). ClinVar contains an entry for this variant (Variation ID: 128191). Invitae Evidence Modeling of protein sequence and biophysical properties (such as structural, functional, and spatial information, amino acid conservation, physicochemical variation, residue mobility, and thermodynamic stability) indicates that this missense variant is not expected to disrupt BRIP1 protein function with a negative predictive value of 95%. RNA analysis performed to evaluate the impact of this missense change on mRNA splicing indicates it does not significantly alter splicing (internal data). In summary, the available evidence is currently insufficient to determine the role of this variant in disease. Therefore, it has been classified as a Variant of Uncertain Significance.

Color Diagnostics, LLC DBA Color Health
Classification: Uncertain significance for Hereditary cancer-predisposing syndrome. Last evaluated: 2025-02-19. Review status: criteria provided, single submitter. Criteria: ACMG Guidelines, 2015. Collection method: clinical testing. Allele origin: germline.
Comment: This missense variant replaces leucine with serine at codon 138 of the BRIP1 protein. Computational prediction suggests that this variant may not impact protein structure and function. To our knowledge, functional studies have not been reported for this variant. This variant has been reported in individuals affected with ovarian cancer (PMID: 31822495), breast cancer (PMID: 26921362, 33471991), B-cell acute lymphoblastic leukemia (PMID: 26580448), Lynch syndrome-associated cancer and/or polyps (PMID: 25980754), and sarcoma (PMID: 27498913), as well as an individual suspected to have hereditary cancer syndrome (PMID: 34326862). This variant has also been identified in 6/282618 chromosomes in the general population by the Genome Aggregation Database (gnomAD). The available evidence is insufficient to determine the role of this variant in disease conclusively. Therefore, this variant is classified as a Variant of Uncertain Significance.

Ambry Genetics
Classification: Uncertain significance for Hereditary cancer-predisposing syndrome. Last evaluated: 2024-11-08. Review status: criteria provided, single submitter. Criteria: Ambry Variant Classification Scheme 2023. Collection method: clinical testing. Allele origin: germline.
Comment: The p.L138S variant (also known as c.413T>C), located in coding exon 4 of the BRIP1 gene, results from a T to C substitution at nucleotide position 413. The leucine at codon 138 is replaced by serine, an amino acid with dissimilar properties. This variant has been reported in 1/1120 pediatric cancer patients younger than age 20 who underwent whole genome and/or whole exome sequencing (Zhang J et al. N. Engl. J. Med. 2015 Dec;373:2336-2346). In a case-control study of the BRIP1 gene in familial breast cancer, this variant was seen in 1/13213 cases and 2/5242 controls (Easton DF et al. J. Med. Genet. 2016 05;53:298-309). It has also been reported in 1/1162 patients with sarcoma (Ballinger ML et al. Lancet Oncol. 2016 Sep;17:1261-71). This amino acid position is highly conserved in available vertebrate species. In addition, the in silico prediction for this alteration is inconclusive. Based on the available evidence, the clinical significance of this variant remains unclear.

GeneDx
Classification: Uncertain significance. Last evaluated: 2024-07-19. Review status: criteria provided, single submitter. Criteria: GeneDx Variant Classification Process June 2021. Collection method: clinical testing. Allele origin: germline. Affected: yes.
Comment: Not observed at significant frequency in large population cohorts (gnomAD); In silico analysis indicates that this missense variant does not alter protein structure/function; Identified in patients with breast cancer, Lynch-related cancers and/or polyps, or sarcoma, as well as in cancer-free controls (PMID: 25980754, 27498913, 26921362, 29641532, 34326862); This variant is associated with the following publications: (PMID: 25980754, 26921362, 29641532, 26580448, 27498913, 34326862)

Molecular Pathology, Peter Maccallum Cancer Centre
Classification: Uncertain significance for Familial ovarian cancer. Last evaluated: 2024-06-07. Review status: criteria provided, single submitter. Criteria: ACMG Guidelines, 2015. Collection method: clinical testing. Allele origin: germline. Inheritance: Autosomal dominant inheritance.

St. Jude Molecular Pathology, St. Jude Children's Research Hospital
Classification: Uncertain significance for Fanconi anemia complementation group J. Last evaluated: 2024-05-12. Review status: criteria provided, single submitter. Criteria: St. Jude Assertion Criteria 2020. Collection method: clinical testing. Allele origin: germline.

Baylor Genetics
Classification: Uncertain significance for Familial cancer of breast. Last evaluated: 2024-03-29. Review status: criteria provided, single submitter. Criteria: ACMG Guidelines, 2015. Collection method: clinical testing. Allele origin: unknown.

Women's Health and Genetics/Laboratory Corporation of America, LabCorp
Classification: Uncertain significance. Last evaluated: 2024-03-18. Review status: criteria provided, single submitter. Criteria: LabCorp Variant Classification Summary - May 2015. Collection method: clinical testing. Allele origin: germline.
Comment: Variant summary: BRIP1 c.413T>C (p.Leu138Ser) results in a non-conservative amino acid change located in the Helicase-like, DEXD box c2 type domain (IPR006554) of the encoded protein sequence. Three of five in-silico tools predict a damaging effect of the variant on protein function. The variant allele was found at a frequency of 2e-05 in 251208 control chromosomes. The available data on variant occurrences in the general population are insufficient to allow any conclusion about variant significance. c.413T>C has been reported in the literature as a VUS in settings of multigene cancer panel testing among individuals with a variety of cancers such as pediatric cancer (B-ALL), colorectal cancer, Breast Cancer and in unaffected controls (example, Zhang_2015, Yurgelun_2015, Easton_2016, Dorling_2021, Bhai_2021, Moyer_2020). These report(s) do not provide unequivocal conclusions about association of the variant with Hereditary Breast And Ovarian Cancer Syndrome. To our knowledge, no experimental evidence demonstrating an impact on protein function has been reported. The following publications have been ascertained in the context of this evaluation (PMID: 25980754, 26921362, 26580448, 34326862, 31822495). ClinVar contains an entry for this variant (Variation ID: 128191). Based on the evidence outlined above, the variant was classified as uncertain significance.

Fulgent Genetics
Classification: Uncertain significance for Familial cancer of breast; Fanconi anemia complementation group J. Last evaluated: 2024-03-06. Review status: criteria provided, single submitter. Criteria: ACMG Guidelines, 2015. Collection method: clinical testing. Allele origin: germline.

Myriad Genetics, Inc.
Classification: Uncertain significance for Familial cancer of breast. Last evaluated: 2023-03-02. Review status: criteria provided, single submitter. Criteria: Myriad Autosomal Dominant, Autosomal Recessive and X-Linked Classification Criteria (2023). Collection method: clinical testing. Allele origin: unknown.
Comment: This variant is classified as a variant of uncertain significance as there is insufficient evidence to determine its impact on protein function and/or cancer risk.

CHEO Genetics Diagnostic Laboratory, Children's Hospital of Eastern Ontario
Classification: Uncertain significance for Breast and/or ovarian cancer. Last evaluated: 2021-10-22. Review status: criteria provided, single submitter. Criteria: ACMG Guidelines, 2015. Collection method: clinical testing. Allele origin: germline.

ARUP Laboratories, Molecular Genetics and Genomics, ARUP Laboratories
Classification: Uncertain significance. Last evaluated: 2021-10-11. Review status: criteria provided, single submitter. Criteria: ARUP Molecular Germline Variant Investigation Process 2021. Collection method: clinical testing. Allele origin: germline.
Comment: The BRIP1 c.413T>C; p.Leu138Ser variant (rs587780251) has been reported in an individual with pediatric cancer, in an individual with breast cancer, and in an individual with suspected Lynch syndrome; however, this variant has also been detected in the control population (Easton 2016, Yurgelun 2015, Zhang 2015). The variant is reported in the ClinVar database (Variation ID: 128191) and is listed in the general population with an overall allele frequency of 0.002% (6/282,618 alleles) in the Genome Aggregation Database. The leucine at codon 138 is moderately conserved and computational analyses are uncertain whether this variant is neutral or deleterious (REVEL: 0.165). Due to limited information, the clinical significance of the p.Leu138Ser variant is uncertain at this time. References: Easton DF et al. No evidence that protein truncating variants in BRIP1 are associated with breast cancer risk: implications for gene panel testing. J Med Genet. 2016 May;53(5):298-309. PMID: 26921362. Yurgelun MB et al. Identification of a Variety of Mutations in Cancer Predisposition Genes in Patients With Suspected Lynch Syndrome. Gastroenterology. 2015 Sep;149(3):604-13.e20. PMID: 25980754. Zhang J et al. Germline Mutations in Predisposition Genes in Pediatric Cancer. N Engl J Med. 2015 Dec 10;373(24):2336-2346. PMID: 26580448.

Quest Diagnostics Nichols Institute San Juan Capistrano
Classification: Uncertain significance. Last evaluated: 2021-04-16. Review status: criteria provided, single submitter. Criteria: Quest Diagnostics criteria. Collection method: clinical testing. Allele origin: unknown.
Comment: In the published literature, this variant has been reported in individuals with a Lynch syndrome-associated cancer (PMID: 25980754 (2015)), B-cell acute lymphoblastic leukemia (BALL) (PMID: 26580448 (2014)), and breast cancer (PMID: 26921362 (2016), 33471991 (2021)). This variant has also been reported in unaffected individuals (PMID: 26921362 (2016), 33471991 (2021)). The frequency of this variant in the general population, 0.000039 (5/129022 chromosomes (Genome Aggregation Database)), is uninformative in the assessment of its pathogenicity. Analysis of this variant using bioinformatics tools for the prediction of the effect of amino acid changes on protein structure and function yielded conflicting predictions that this variant is benign or damaging. Based on the available information, we are unable to determine the clinical significance of this variant.

Counsyl
Classification: Uncertain significance for Fanconi anemia complementation group J; Ovarian cancer. Last evaluated: 2017-01-25. Review status: no assertion criteria provided. Collection method: clinical testing. Allele origin: unknown. Not counted in ClinVar's aggregate classification.

Literature cited by the submitters: PubMed 25980754 (cited by 5 submitters); PubMed 26580448 (cited by 6 submitters); PubMed 26921362 (cited by 6 submitters); PubMed 27498913 (cited by 3 submitters); PubMed 31822495 (cited by 3 submitters); PubMed 34326862 (cited by 4 submitters); PubMed 33471991 (cited by Color Diagnostics, LLC DBA Color Health and Quest Diagnostics Nichols Institute San Juan Capistrano).